The following is an entry in ClinVar:

ClinVar aggregate classification (germline): Uncertain significance (1 of 4 stars; one submission).

Submission:

GeneDx
Classification: Uncertain significance. Last evaluated: 2020-07-09. Review status: criteria provided, single submitter. Criteria: GeneDx Variant Classification Process June 2021. Collection method: clinical testing. Allele origin: germline. Affected: yes.
Comment: Not observed in large population cohorts (Lek et al., 2016); In silico analysis supports that this missense variant does not alter protein structure/function; Has not been previously published as pathogenic or benign to our knowledge

NM_006015.6(ARID1A):c.2732G>A (p.Arg911Lys)

Gene: ARID1A (AT-rich interaction domain 1A; plus strand). Cytogenetic location: 1p36.11.
Variant type: single nucleotide variant.
Coding change: c.2732G>A on transcript NM_006015.6 (MANE Select); coding-DNA position 2732, G replaced by A.
Protein change: p.Arg911Lys; replaces arginine 911 with lysine.
Molecular consequence: missense variant.
Genome position (GRCh38, 1-based): chr1:26,763,285, G>A. VCF-style: chr1-26763285-G-A. GRCh37 (hg19) VCF-style: chr1-27089776-G-A.
Other names: c.2732G>A, p.Arg911Lys (NM_139135.4); short protein forms R911K.
Identifiers: ClinVar variation 1313042 (VCV001313042.2), dbSNP rs1553152166, ClinGen allele CA339159125.